The following is an entry in ClinVar:

ClinVar aggregate classification (germline): Uncertain significance (1 of 4 stars; one submission).

Submission:

Greenwood Genetic Center Diagnostic Laboratories, Greenwood Genetic Center
Classification: Uncertain significance. Last evaluated: 2021-05-13. Review status: criteria provided, single submitter. Criteria: ACMG Guidelines, 2015. Collection method: clinical testing. Allele origin: germline. Affected: yes.
Comment: PM2

NM_017635.5(KMT5B):c.2270del (p.Leu757fs)

Gene: KMT5B (lysine methyltransferase 5B; minus strand). Cytogenetic location: 11q13.2.
Variant type: Deletion.
Coding change: c.2270del on transcript NM_017635.5 (MANE Select); coding-DNA position 2270, one base deleted (T; older notation c.2270delT).
Protein change: p.Leu757fs; shifts the reading frame from leucine 757.
Molecular consequence: frameshift variant.
Genome position (GRCh38, 1-based): chr11:68,158,076, A deleted on the plus strand (T on the coding strand, the reverse complement: KMT5B is on the minus strand). VCF-style (leftmost placement, unchanged base first): chr11-68158075-GA-G. GRCh37 (hg19) VCF-style: chr11-67925542-GA-G.
Other names: c.1754del, p.Leu585fs (NM_001300907.1, NM_001369428.1, NM_001369429.1 and 4 more transcripts); c.1550del, p.Leu517fs (NM_001300908.2); c.2270del, p.Leu757fs (NM_001369426.1); short protein forms L517fs, L585fs, L757fs.
Identifiers: ClinVar variation 1334753 (VCV001334753.4), dbSNP rs2153040093, ClinGen allele CA2573053552.